The following is an entry in ClinVar:

ClinVar aggregate classification (germline): Uncertain significance (1 of 4 stars; one submission).

Allele frequency attached by ClinVar (database versions not stated): gnomAD exomes 0.00003; gnomAD 0.00005; TOPMed 0.00011; ExAC 0.00019; 1000 Genomes Project 30x 0.00047; 1000 Genomes Project 0.00060.
gnomAD v4.1: 46 of 1,524,522 alleles (0.003%); highest among the groups gnomAD compares: East Asian, 0.094%; no homozygotes.

Submission:

Labcorp Genetics (formerly Invitae), Labcorp
Classification: Uncertain significance. Last evaluated: 2022-03-13. Review status: criteria provided, single submitter. Criteria: Invitae Variant Classification Sherloc (09022015). Collection method: clinical testing. Allele origin: germline.
Comment: This sequence change replaces arginine, which is basic and polar, with cysteine, which is neutral and slightly polar, at codon 50 of the BLOC1S3 protein (p.Arg50Cys). This variant is present in population databases (rs569684699, gnomAD 0.2%). This variant has not been reported in the literature in individuals affected with BLOC1S3-related conditions. Algorithms developed to predict the effect of missense changes on protein structure and function are either unavailable or do not agree on the potential impact of this missense change (SIFT: "Tolerated"; PolyPhen-2: "Possibly Damaging"; Align-GVGD: "Class C15"). In summary, the available evidence is currently insufficient to determine the role of this variant in disease. Therefore, it has been classified as a Variant of Uncertain Significance.

NM_212550.5(BLOC1S3):c.148C>T (p.Arg50Cys)

Gene: BLOC1S3 (biogenesis of lysosomal organelles complex 1 subunit 3; plus strand). Cytogenetic location: 19q13.32.
Variant type: single nucleotide variant.
Coding change: c.148C>T on transcript NM_212550.5 (MANE Select); coding-DNA position 148, C replaced by T.
Protein change: p.Arg50Cys; replaces arginine 50 with cysteine.
Molecular consequence: missense variant.
Genome position (GRCh38, 1-based): chr19:45,179,444, C>T. VCF-style: chr19-45179444-C-T. GRCh37 (hg19) VCF-style: chr19-45682702-C-T.
Other names: short protein forms R50C.
Identifiers: ClinVar variation 1895938 (VCV001895938.2), dbSNP rs569684699, ClinGen allele CA9510230.